The following is an entry in ClinVar:

ClinVar aggregate classification (germline): Pathogenic (1 of 4 stars; one submission).

Submission:

Labcorp Genetics (formerly Invitae), Labcorp
Classification: Pathogenic. Last evaluated: 2022-10-24. Review status: criteria provided, single submitter. Criteria: Invitae Variant Classification Sherloc (09022015). Collection method: clinical testing. Allele origin: germline.
Comment: This variant disrupts a region of the CNGA3 protein in which other variant(s) (p.Arg499*) have been determined to be pathogenic (Invitae). This suggests that this is a clinically significant region of the protein, and that variants that disrupt it are likely to be disease-causing. For these reasons, this variant has been classified as Pathogenic. ClinVar contains an entry for this variant (Variation ID: 1455732). This premature translational stop signal has been observed in individuals with clinical features of achromatopsia (PMID: 11536077, 30682209). This variant is not present in population databases (gnomAD no frequency). This sequence change creates a premature translational stop signal (p.Val451Glyfs*3) in the CNGA3 gene. While this is not anticipated to result in nonsense mediated decay, it is expected to disrupt the last 244 amino acid(s) of the CNGA3 protein.

Literature cited by the submitters: PubMed 11536077; PubMed 30682209.

NM_001298.3(CNGA3):c.1351dup (p.Val451fs)

Gene: CNGA3 (cyclic nucleotide gated channel subunit alpha 3; plus strand). Cytogenetic location: 2q11.2.
Variant type: Duplication.
Coding change: c.1351dup on transcript NM_001298.3 (MANE Select); coding-DNA position 1351, one base duplicated (G; older notation c.1351dupG).
Protein change: p.Val451fs; shifts the reading frame from valine 451.
Molecular consequence: frameshift variant.
Genome position (GRCh38, 1-based): chr2:98,396,521, G duplicated; the last of 2 consecutive G bases (chr2:98,396,520-98,396,521); duplicating either gives the same sequence. VCF-style (leftmost placement, unchanged base first): chr2-98396519-C-CG. GRCh37 (hg19) VCF-style: chr2-99012982-C-CG.
Other names: c.1297dup, p.Val433fs (NM_001079878.2); short protein forms V451fs, V433fs.
Identifiers: ClinVar variation 1455732 (VCV001455732.8), dbSNP rs1434100445, ClinGen allele CA895883411.
Genomic context (GRCh38, chr2:98,396,519, plus strand): 5'-CCAAGGACTTGGAGACGCGGGTTATCCGGTGGTTTGACTACCTGTGGGCCAACAAGAAGA[C>CG]GGTGGATGAGAAGGAGGTGCTCAAGAGCCTCCCAGACAAGCTGAAGGCTGAGATCGCCAT-3'